The following is an entry in ClinVar:

ClinVar aggregate classification (germline): Uncertain significance. Review status: criteria provided, multiple submitters, no conflicts (2 of 4 stars). 2 submissions from 2 submitters: Uncertain significance (2). Last evaluated 2024-08-28.

Conditions:
Bloom syndrome (BLM). Also called: Bloom-Torre-Machacek syndrome. Identifiers: Orphanet 125, MedGen C0005859, MONDO:0008876, OMIM 210900.
Hereditary cancer-predisposing syndrome. Also called: Hereditary Cancer Syndrome; Hereditary neoplastic syndrome; Neoplastic Syndromes, Hereditary; Tumor predisposition. Identifiers: Orphanet 140162, MedGen C0027672, MeSH D009386, MONDO:0015356.

Allele frequency attached by ClinVar (database versions not stated): gnomAD exomes 0.00001.
gnomAD v4.1: 3 of 1,614,108 alleles (0.00019%); highest among the groups gnomAD compares: South Asian, 0.0033%; no homozygotes.

Submissions (2):

Ambry Genetics
Classification: Uncertain significance for Hereditary cancer-predisposing syndrome. Last evaluated: 2024-08-28. Review status: criteria provided, single submitter. Criteria: Ambry Variant Classification Scheme 2023. Collection method: clinical testing. Allele origin: germline.
Comment: The p.I986T variant (also known as c.2957T>C), located in coding exon 14 of the BLM gene, results from a T to C substitution at nucleotide position 2957. The isoleucine at codon 986 is replaced by threonine, an amino acid with similar properties. This amino acid position is conserved. In addition, this alteration is predicted to be tolerated by in silico analysis. Based on the available evidence, the clinical significance of this variant remains unclear.

Labcorp Genetics (formerly Invitae), Labcorp
Classification: Uncertain significance for Bloom syndrome. Last evaluated: 2023-11-13. Review status: criteria provided, single submitter. Criteria: Invitae Variant Classification Sherloc (09022015). Collection method: clinical testing. Allele origin: germline.
Comment: This sequence change replaces isoleucine, which is neutral and non-polar, with threonine, which is neutral and polar, at codon 986 of the BLM protein (p.Ile986Thr). This variant is not present in population databases (gnomAD no frequency). This variant has not been reported in the literature in individuals affected with BLM-related conditions. ClinVar contains an entry for this variant (Variation ID: 405273). Advanced modeling of protein sequence and biophysical properties (such as structural, functional, and spatial information, amino acid conservation, physicochemical variation, residue mobility, and thermodynamic stability) performed at Invitae indicates that this missense variant is not expected to disrupt BLM protein function with a negative predictive value of 80%. In summary, the available evidence is currently insufficient to determine the role of this variant in disease. Therefore, it has been classified as a Variant of Uncertain Significance.

NM_000057.4(BLM):c.2957T>C (p.Ile986Thr)

Gene: BLM (BLM RecQ like helicase; plus strand). Cytogenetic location: 15q26.1.
Variant type: single nucleotide variant.
Coding change: c.2957T>C on transcript NM_000057.4 (MANE Select); coding-DNA position 2957, T replaced by C.
Protein change: p.Ile986Thr; replaces isoleucine 986 with threonine.
Molecular consequence: missense variant.
Genome position (GRCh38, 1-based): chr15:90,790,782, T>C. VCF-style: chr15-90790782-T-C. GRCh37 (hg19) VCF-style: chr15-91334012-T-C.
Other names: c.2957T>C, p.Ile986Thr (NM_001287246.2, NM_001287247.2); c.1832T>C, p.Ile611Thr (NM_001287248.2); c.2957T>C (NM_000057.2); short protein forms I986T, I611T.
Identifiers: ClinVar variation 405273 (VCV000405273.10), dbSNP rs1060500631, ClinGen allele CA16614962.
Genomic context (GRCh38, chr15:90,790,782, plus strand): 5'-TCCCTAAATCTGTGGAGGGTTACTACCAAGAATCTGGCAGAGCTGGAAGAGATGGGGAAA[T>C]ATCTCACTGCCTGCTTTTCTATACCTATCATGATGTGACCAGACTGAAAAGACTTATAAT-3'
Protein context (NP_000048.1, residues 976-996): ESGRAGRDGE[Ile986Thr]SHCLLFYTYH